The following is an entry in ClinVar:

ClinVar aggregate classification (germline): Uncertain significance (1 of 4 stars; one submission).

Conditions:
Obesity. Also called: Obesity disorder. Identifiers: Orphanet 71529, MedGen C0028754, MeSH D009765, MONDO:0011122, HP:0001513.

Submission:

Clinical Genomics Laboratory, Washington University in St. Louis
Classification: Uncertain significance for obesity. Last evaluated: 2025-08-15. Review status: criteria provided, single submitter. Criteria: ACMG Guidelines, 2015. Collection method: clinical testing. Allele origin: germline.
Comment: The SH2B1 c.*17C>A variant occurs in the 3' untranslated region (UTR) after the stop codon but before the polyadenylation signal. This variant, to our knowledge, has not been reported in the medical literature and is absent from the general population (gnomAD v.2.1.1), indicating it is not a common variant. A recently published computational program designed to predict the impact of 3'UTR variants (Romo L et al., PMID: 38237594) predicts that this variant may impact miRNA target sites, which may affect the stability of the mRNA. However, due to limited information, the clinical significance of this variant is uncertain.

NM_001387430.1(SH2B1):c.*17C>A

Gene: SH2B1 (SH2B adaptor protein 1; plus strand). Cytogenetic location: 16p11.2.
Variant type: single nucleotide variant.
Coding change: c.*17C>A on transcript NM_001387430.1 (MANE Select); 17 bases downstream of the stop codon, C replaced by A.
Molecular consequence: 3 prime UTR variant.
Genome position (GRCh38, 1-based): chr16:28,873,837, C>A. VCF-style: chr16-28873837-C-A. GRCh37 (hg19) VCF-style: chr16-28885158-C-A.
Other names: c.*17C>A (NM_001145795.2, NM_001308293.2, NM_001387404.1); c.*372C>A (NM_001145796.2, NM_001145812.2, NM_001308294.2 and 1 more transcripts); c.*389C>A (NM_001145797.2).
Identifiers: ClinVar variation 4279892 (VCV004279892.1).